The following is an entry in ClinVar:

ClinVar aggregate classification (germline): Conflicting classifications of pathogenicity. Review status: criteria provided, conflicting classifications (1 of 4 stars). 3 submissions from 3 submitters: Uncertain significance (2); Benign (1). Last evaluated 2023-11-18.

Conditions:
Kleefstra syndrome 1 (KLEFS1). Identifiers: Orphanet 261494, MedGen C0795833, MONDO:0027407, OMIM 610253.

Submissions (3):

GeneDx
Classification: Uncertain significance. Last evaluated: 2023-11-18. Review status: criteria provided, single submitter. Criteria: GeneDx Variant Classification Process June 2021. Collection method: clinical testing. Allele origin: germline. Affected: yes.
Comment: Has not been previously published as pathogenic or benign to our knowledge; In silico analysis supports that this missense variant has a deleterious effect on protein structure/function; Not observed in large population cohorts (gnomAD)

Labcorp Genetics (formerly Invitae), Labcorp
Classification: Uncertain significance for Kleefstra syndrome 1. Last evaluated: 2023-03-13. Review status: criteria provided, single submitter. Criteria: Invitae Variant Classification Sherloc (09022015). Collection method: clinical testing. Allele origin: germline.
Comment: This variant is not present in population databases (gnomAD no frequency). This sequence change replaces leucine, which is neutral and non-polar, with tryptophan, which is neutral and slightly polar, at codon 720 of the EHMT1 protein (p.Leu720Trp). This variant has not been reported in the literature in individuals affected with EHMT1-related conditions. Advanced modeling of protein sequence and biophysical properties (such as structural, functional, and spatial information, amino acid conservation, physicochemical variation, residue mobility, and thermodynamic stability) performed at Invitae indicates that this missense variant is expected to disrupt EHMT1 protein function. In summary, the available evidence is currently insufficient to determine the role of this variant in disease. Therefore, it has been classified as a Variant of Uncertain Significance.

Laboratory of Genetics, Children's Clinical University Hospital Latvia
Classification: Benign for Kleefstra syndrome 1. Review status: criteria provided, single submitter. Criteria: ACMG Guidelines, 2015. Collection method: curation. Allele origin: germline. Affected: yes.
Comment: Inheritance unknown

Literature cited by the submitters: PubMed 39013458 (cited by Laboratory of Genetics, Children's Clinical University Hospital Latvia).

NM_024757.5(EHMT1):c.2159T>G (p.Leu720Trp)

Gene: EHMT1 (euchromatic histone lysine methyltransferase 1; plus strand). Cytogenetic location: 9q34.3.
Variant type: single nucleotide variant.
Coding change: c.2159T>G on transcript NM_024757.5 (MANE Select); coding-DNA position 2159, T replaced by G.
Protein change: p.Leu720Trp; replaces leucine 720 with tryptophan.
Molecular consequence: missense variant.
Genome position (GRCh38, 1-based): chr9:137,778,022, T>G. VCF-style: chr9-137778022-T-G. GRCh37 (hg19) VCF-style: chr9-140672474-T-G.
Other names: c.2159T>G, p.Leu720Trp (NM_001145527.2); c.2066T>G, p.Leu689Trp (NM_001354259.2); c.2138T>G, p.Leu713Trp (NM_001354263.2); c.2159T>G (NM_024757.4); short protein forms L713W, L720W, L689W.
Identifiers: ClinVar variation 2785001 (VCV002785001.5), dbSNP rs2542395324, ClinGen allele CA375779165.
Genomic context (GRCh38, chr9:137,778,022, plus strand): 5'-GACCTGCTGGGCTTGGGAGGCCAACTCCCGGCCTTTCCCAGGGACCAGGGAAGGAAACCT[T>G]GGAGAGCGCTCTCATCGCCCTCGACTCGGAAAAGTAAGACCTGACATGTGATTTCAGAGA-3'
Protein context (NP_079033.4, residues 710-730): GLSQGPGKET[Leu720Trp]ESALIALDSE